The following is an entry in ClinVar:

ClinVar aggregate classification (germline): Uncertain significance. Review status: criteria provided, multiple submitters, no conflicts (2 of 4 stars). 5 submissions from 5 submitters: Uncertain significance (5). Last evaluated 2025-04-10.

Conditions:
Hereditary cancer-predisposing syndrome. Also called: Hereditary neoplastic syndrome; Tumor predisposition; Hereditary Cancer Syndrome; Neoplastic Syndromes, Hereditary. Identifiers: Orphanet 140162, MedGen C0027672, MeSH D009386, MONDO:0015356.
Familial cancer of breast. Also called: hereditary breast carcinoma; Hereditary breast cancer; BREAST CANCER, FAMILIAL. Identifiers: Orphanet 227535, MedGen C0346153, MONDO:0016419, OMIM 114480. Disease mechanism: loss of function.

Allele frequency attached by ClinVar (database versions not stated): gnomAD exomes below 0.00001.
gnomAD v4.1: 1 of 1,612,754 alleles (0.000062%); highest among the groups gnomAD compares: Non-Finnish European, 0.000085%; no homozygotes.

Submissions (5):

Labcorp Genetics (formerly Invitae), Labcorp
Classification: Uncertain significance for Familial cancer of breast. Last evaluated: 2025-04-10. Review status: criteria provided, single submitter. Criteria: Invitae Variant Classification Sherloc (09022015). Collection method: clinical testing. Allele origin: germline.
Comment: This sequence change replaces alanine, which is neutral and non-polar, with threonine, which is neutral and polar, at codon 334 of the CHEK2 protein (p.Ala334Thr). This variant is not present in population databases (gnomAD no frequency). This missense change has been observed in individual(s) with breast cancer (PMID: 26921362). ClinVar contains an entry for this variant (Variation ID: 220075). An algorithm developed to predict the effect of missense changes on protein structure and function (PolyPhen-2) suggests that this variant is likely to be disruptive. Experimental studies have shown that this missense change does not substantially affect CHEK2 function (PMID: 30851065). In summary, the available evidence is currently insufficient to determine the role of this variant in disease. Therefore, it has been classified as a Variant of Uncertain Significance.

Ambry Genetics
Classification: Uncertain significance for Hereditary cancer-predisposing syndrome. Last evaluated: 2024-12-17. Review status: criteria provided, single submitter. Criteria: Ambry Variant Classification Scheme 2023. Collection method: clinical testing. Allele origin: germline.
Comment: The p.A334T variant (also known as c.1000G>A), located in coding exon 8 of the CHEK2 gene, results from a G to A substitution at nucleotide position 1000. The alanine at codon 334 is replaced by threonine, an amino acid with similar properties. This alteration behaved as functional in an in vivo, yeast-based growth rate assay (Delimitsou A et al. Hum Mutat, 2019 May;40:631-648), in a study assessing CHEK2-complementation in human RPE1-CHEK2-knockout cells (Stolarova L et al. Clin Cancer Res, 2023 Aug;29:3037-3050), and in a large study assessing complementation of the yeast ortholog RAD53 (McCarthy-Leo CE et al. PLoS Genet. 2024 Aug;20(8):e1011375). This amino acid position is highly conserved in available vertebrate species. In addition, this alteration is predicted to be deleterious by in silico analysis. Based on the available evidence, the clinical significance of this variant remains unclear.

Color Diagnostics, LLC DBA Color Health
Classification: Uncertain significance for Hereditary cancer-predisposing syndrome. Last evaluated: 2023-01-24. Review status: criteria provided, single submitter. Criteria: ACMG Guidelines, 2015. Collection method: clinical testing. Allele origin: germline.
Comment: This missense variant replaces alanine with threonine at codon 334 of the CHEK2 protein. Computational prediction is inconclusive regarding the impact of this variant on protein structure and function (internally defined REVEL score threshold 0.5 < inconclusive < 0.7, PMID: 27666373). To our knowledge, functional studies have not been reported for this variant. This variant has not been reported in individuals affected with hereditary cancer in the literature. This variant has not been identified in the general population by the Genome Aggregation Database (gnomAD). The available evidence is insufficient to determine the role of this variant in disease conclusively. Therefore, this variant is classified as a Variant of Uncertain Significance.

Sema4
Classification: Uncertain significance for Hereditary cancer-predisposing syndrome. Last evaluated: 2021-11-27. Review status: criteria provided, single submitter. Criteria: Sema4 Curation Guidelines. Collection method: curation. Allele origin: germline.
Comment: The CHEK2 c.1000G>A (p.A334T) variant has been reported in heterozygosity in two individuals with breast cancer (PMID: 26921362). This variant is not reported in the population database Genome Aggregation Database (PMID: 32461654). This variant has been reported in ClinVar (Variation ID: 220075). In silico tools suggest the impact of the variant on protein function is inconclusive while an in vivo yeast growth assay study demonstrated a normal function of the protein (PMID: 30851065). The evidence is insufficient to meet ACMG/AMP criteria for classifying the variant as benign or pathogenic. Thus, the clinical significance of this variant is currently uncertain.

GeneDx
Classification: Uncertain significance. Last evaluated: 2019-12-06. Review status: criteria provided, single submitter. Criteria: GeneDx Variant Classification Process June 2021. Collection method: clinical testing. Allele origin: germline. Affected: yes.
Comment: Not observed in large population cohorts (Lek 2016); In silico analysis, which includes protein predictors and evolutionary conservation, supports a deleterious effect; Published functional studies demonstrate no damaging effect: normal growth after MMS-induced DNA damage (Delimitsou 2019); This variant is associated with the following publications: (PMID: 30851065, 26921362, 28825729)

Literature cited by the submitters: PubMed 26921362 (cited by Labcorp Genetics (formerly Invitae), Labcorp and Sema4); PubMed 30851065 (cited by 3 submitters); PubMed 37449874 (cited by Ambry Genetics); PubMed 39146382 (cited by Ambry Genetics).

NM_007194.4(CHEK2):c.1000G>A (p.Ala334Thr)

Gene: CHEK2 (checkpoint kinase 2; minus strand). Cytogenetic location: 22q12.1.
Variant type: single nucleotide variant.
Coding change: c.1000G>A on transcript NM_007194.4 (MANE Select); coding-DNA position 1000, G replaced by A.
Protein change: p.Ala334Thr; replaces alanine 334 with threonine.
Molecular consequence: missense variant.
Genome position (GRCh38, 1-based): chr22:28,699,846, C>T on the plus strand (G>A on the coding strand, the complement: CHEK2 is on the minus strand). VCF-style: chr22-28699846-C-T. GRCh37 (hg19) VCF-style: chr22-29095834-C-T.
Other names: c.1129G>A, p.Ala377Thr (NM_001005735.3); c.337G>A, p.Ala113Thr (NM_001257387.3); c.799G>A, p.Ala267Thr (NM_001349956.3); c.1000G>A, p.Ala334Thr (NM_145862.3); short protein forms A334T, A113T, A267T, A377T.
Identifiers: ClinVar variation 220075 (VCV000220075.23), dbSNP rs864622371, ClinGen allele CA349881.